The following is an entry in ClinVar:

ClinVar aggregate classification (germline): Uncertain significance. Review status: criteria provided, multiple submitters, no conflicts (2 of 4 stars). 3 submissions from 3 submitters: Uncertain significance (3). Last evaluated 2025-11-05.

Conditions:
Bloom syndrome (BLM). Also called: Bloom-Torre-Machacek syndrome. Identifiers: Orphanet 125, MedGen C0005859, MONDO:0008876, OMIM 210900.
Hereditary cancer-predisposing syndrome. Also called: Tumor predisposition; Hereditary neoplastic syndrome; Neoplastic Syndromes, Hereditary; Hereditary Cancer Syndrome. Identifiers: Orphanet 140162, MedGen C0027672, MeSH D009386, MONDO:0015356.

gnomAD v4.1: 9 of 1,612,406 alleles (0.00056%); highest among the groups gnomAD compares: Non-Finnish European, 0.00076%; no homozygotes.

Submissions (3):

Labcorp Genetics (formerly Invitae), Labcorp
Classification: Uncertain significance for Bloom syndrome. Last evaluated: 2025-11-05. Review status: criteria provided, single submitter. Criteria: Invitae Variant Classification Sherloc (09022015). Collection method: clinical testing. Allele origin: germline.
Comment: This sequence change replaces valine, which is neutral and non-polar, with leucine, which is neutral and non-polar, at codon 375 of the BLM protein (p.Val375Leu). This variant is not present in population databases (gnomAD no frequency). This variant has not been reported in the literature in individuals affected with BLM-related conditions. ClinVar contains an entry for this variant (Variation ID: 818381). Invitae Evidence Modeling of protein sequence and biophysical properties (such as structural, functional, and spatial information, amino acid conservation, physicochemical variation, residue mobility, and thermodynamic stability) indicates that this missense variant is not expected to disrupt BLM protein function with a negative predictive value of 80%. In summary, the available evidence is currently insufficient to determine the role of this variant in disease. Therefore, it has been classified as a Variant of Uncertain Significance.

Ambry Genetics
Classification: Uncertain significance for Hereditary cancer-predisposing syndrome. Last evaluated: 2023-10-22. Review status: criteria provided, single submitter. Criteria: Ambry Variant Classification Scheme 2023. Collection method: clinical testing. Allele origin: germline.
Comment: The p.V375L variant (also known as c.1123G>C), located in coding exon 5 of the BLM gene, results from a G to C substitution at nucleotide position 1123. The valine at codon 375 is replaced by leucine, an amino acid with highly similar properties. This amino acid position is highly conserved in available vertebrate species. In addition, this alteration is predicted to be tolerated by in silico analysis. Since supporting evidence is limited at this time, the clinical significance of this alteration remains unclear.

GeneDx
Classification: Uncertain significance. Last evaluated: 2022-04-21. Review status: criteria provided, single submitter. Criteria: GeneDx Variant Classification Process June 2021. Collection method: clinical testing. Allele origin: germline. Affected: yes.
Comment: Not observed at significant frequency in large population cohorts (gnomAD); In silico analysis supports that this missense variant does not alter protein structure/function; Has not been previously published as pathogenic or benign to our knowledge

NM_000057.4(BLM):c.1123G>C (p.Val375Leu)

Gene: BLM (BLM RecQ like helicase; plus strand). Cytogenetic location: 15q26.1.
Variant type: single nucleotide variant.
Coding change: c.1123G>C on transcript NM_000057.4 (MANE Select); coding-DNA position 1123, G replaced by C.
Protein change: p.Val375Leu; replaces valine 375 with leucine.
Molecular consequence: missense variant. On other transcripts: 5 prime UTR variant (1).
Genome position (GRCh38, 1-based): chr15:90,760,182, G>C. VCF-style: chr15-90760182-G-C. GRCh37 (hg19) VCF-style: chr15-91303412-G-C.
Other names: c.1123G>C, p.Val375Leu (NM_001287246.2, NM_001287247.2); c.-3G>C (NM_001287248.2); short protein forms V375L.
Identifiers: ClinVar variation 818381 (VCV000818381.13), dbSNP rs1596228852, ClinGen allele CA393842357.